The following is an entry in ClinVar:

NM_022489.4(INF2):c.34G>A (p.Ala12Thr)

Gene: INF2 (inverted formin 2; plus strand). Cytogenetic location: 14q32.33.
Variant type: single nucleotide variant.
Coding change: c.34G>A on transcript NM_022489.4 (MANE Select); coding-DNA position 34, G replaced by A.
Protein change: p.Ala12Thr; replaces alanine 12 with threonine.
Molecular consequence: missense variant.
Genome position (GRCh38, 1-based): chr14:104,701,399, G>A. VCF-style: chr14-104701399-G-A. GRCh37 (hg19) VCF-style: chr14-105167736-G-A.
Other names: c.34G>A, p.Ala12Thr (NM_001031714.4, NM_032714.3); short protein forms A12T.
Identifiers: ClinVar variation 962106 (VCV000962106.9), dbSNP rs201814557, ClinGen allele CA267330327.

ClinVar aggregate classification (germline): Uncertain significance (1 of 4 stars; one submission).

Conditions:
Focal segmental glomerulosclerosis 5 (FSGS5). Identifiers: Orphanet 656, MedGen C2750475, MONDO:0013191, OMIM 613237.
Charcot-Marie-Tooth disease dominant intermediate E. Also called: CHARCOT-MARIE-TOOTH NEUROPATHY WITH FOCAL SEGMENTAL GLOMERULONEPHRITIS. Identifiers: Orphanet 93114, MedGen C4302667, MONDO:0013758, OMIM 614455.

Allele frequency attached by ClinVar (database versions not stated): gnomAD exomes below 0.00001.
gnomAD v4.1: 2 of 1,592,996 alleles (0.00013%); highest among the groups gnomAD compares: Non-Finnish European, 0.000086%; no homozygotes.

Submission:

Labcorp Genetics (formerly Invitae), Labcorp
Classification: Uncertain significance for Charcot-Marie-Tooth disease dominant intermediate E; Focal segmental glomerulosclerosis 5. Last evaluated: 2022-09-23. Review status: criteria provided, single submitter. Criteria: Invitae Variant Classification Sherloc (09022015). Collection method: clinical testing. Allele origin: germline.
Comment: This sequence change replaces alanine, which is neutral and non-polar, with threonine, which is neutral and polar, at codon 12 of the INF2 protein (p.Ala12Thr). This variant is not present in population databases (gnomAD no frequency). This variant has not been reported in the literature in individuals affected with INF2-related conditions. ClinVar contains an entry for this variant (Variation ID: 962106). Advanced modeling of protein sequence and biophysical properties (such as structural, functional, and spatial information, amino acid conservation, physicochemical variation, residue mobility, and thermodynamic stability) performed at Invitae indicates that this missense variant is not expected to disrupt INF2 protein function. In summary, the available evidence is currently insufficient to determine the role of this variant in disease. Therefore, it has been classified as a Variant of Uncertain Significance.